The following is an entry in ClinVar:

ClinVar aggregate classification (germline): Uncertain significance (1 of 4 stars; one submission).

Submission:

Labcorp Genetics (formerly Invitae), Labcorp
Classification: Uncertain significance. Last evaluated: 2024-02-05. Review status: criteria provided, single submitter. Criteria: Invitae Variant Classification Sherloc (09022015). Collection method: clinical testing. Allele origin: germline.
Comment: This sequence change replaces arginine, which is basic and polar, with lysine, which is basic and polar, at codon 67 of the FAR1 protein (p.Arg67Lys). This variant is not present in population databases (gnomAD no frequency). This variant has not been reported in the literature in individuals affected with FAR1-related conditions. ClinVar contains an entry for this variant (Variation ID: 1370715). Advanced modeling of protein sequence and biophysical properties (such as structural, functional, and spatial information, amino acid conservation, physicochemical variation, residue mobility, and thermodynamic stability) performed at Invitae indicates that this missense variant is not expected to disrupt FAR1 protein function with a negative predictive value of 80%. In summary, the available evidence is currently insufficient to determine the role of this variant in disease. Therefore, it has been classified as a Variant of Uncertain Significance.

NM_032228.6(FAR1):c.200G>A (p.Arg67Lys)

Gene: FAR1 (fatty acyl-CoA reductase 1; plus strand). Cytogenetic location: 11p15.3.
Variant type: single nucleotide variant.
Coding change: c.200G>A on transcript NM_032228.6 (MANE Select); coding-DNA position 200, G replaced by A.
Protein change: p.Arg67Lys; replaces arginine 67 with lysine.
Molecular consequence: missense variant.
Genome position (GRCh38, 1-based): chr11:13,700,327, G>A. VCF-style: chr11-13700327-G-A. GRCh37 (hg19) VCF-style: chr11-13721874-G-A.
Other names: short protein forms R67K.
Identifiers: ClinVar variation 1370715 (VCV001370715.6), dbSNP rs2134183937, ClinGen allele CA379856334.